The following is an entry in ClinVar:

ClinVar aggregate classification (germline): Benign/Likely benign. Review status: criteria provided, multiple submitters, no conflicts (2 of 4 stars). 12 submissions from 12 submitters: Benign (6); Likely benign (2). 4 of the submissions do not count toward it. Last evaluated 2026-02-03.

Conditions:
Creatine deficiency syndrome 1.
SLC6A8-related disorder. Also called: SLC6A8-related condition.
Inborn genetic diseases. Identifiers: MedGen C0950123, MeSH D030342.
Creatine transporter deficiency (CCDS1). Also called: SLC6A8-Related Creatine Transporter Deficiency; CREATINE TRANSPORTER DEFECT; Mental retardation , X-linked with seizures, short stature and midface hypoplasia; Mental retardation , X-linked, with creatine transport deficiency; X-linked creatine transporter deficiency; X-linked creatine deficiency syndrome. Identifiers: Orphanet 52503, MedGen C1845862, MONDO:0010305, OMIM 300352.

Allele frequency attached by ClinVar (database versions not stated): 1000 Genomes Project 0.00238; 1000 Genomes Project 30x 0.00271; ESP Exome Variant Server 0.00398; gnomAD 0.00434 and 0.00435; gnomAD exomes 0.00445 and 0.00605; TOPMed 0.00516; ExAC 0.00657.
gnomAD v4.1: 7,049 of 1,198,729 alleles (0.59%); highest among the groups gnomAD compares: Middle Eastern, 1.3%; 18 homozygotes.

Submissions (23):

Labcorp Genetics (formerly Invitae), Labcorp
Classification: Benign for Creatine transporter deficiency. Last evaluated: 2026-02-03. Review status: criteria provided, single submitter. Criteria: Invitae Variant Classification Sherloc (09022015). Collection method: clinical testing. Allele origin: germline.

Blueprint Genetics
Classification: Likely benign. Last evaluated: 2024-11-25. Review status: criteria provided, single submitter. Criteria: ACMG Guidelines, 2015. Collection method: clinical testing. Allele origin: germline.

Mayo Clinic Laboratories, Mayo Clinic
Classification: Benign. Last evaluated: 2023-06-05. Review status: criteria provided, single submitter. Criteria: ACMG Guidelines, 2015. Collection method: clinical testing. Allele origin: germline. Observed: 7 variant alleles.
Comment: BS1, BS2, BP4, BP7

Center for Genomics, Ann and Robert H. Lurie Children's Hospital of Chicago
Classification: Likely benign for Creatine transporter deficiency. Last evaluated: 2022-05-18. Review status: criteria provided, single submitter. Criteria: ACMG Guidelines, 2015. Collection method: clinical testing. Allele origin: germline.
Comment: This variant has not been reported in the literature but is present in the Genome Aggregation Database (Highest reported MAF 0.7% (84/10760) including 39 hemizygotes. This variant is present in ClinVar, with several labs classifying this variant as Benign (Variation ID:212213). Evolutionary conservation and computational predictive tools for this variant are limited or unavailable. This variant is an intronic variant with no predicted change in the amino acid sequence but may have an unknown effect on splicing. Computational prediction tools do not suggest that it alters splicing. However, further studies are needed to understand its impact. In summary, data on this variant suggests that this variant does not cause disease but requires further evidence. Therefore, this variant is classified as likely benign.

Athena Diagnostics
Classification: Benign. Last evaluated: 2018-12-31. Review status: criteria provided, single submitter. Criteria: Athena Diagnostics Criteria. Collection method: clinical testing. Allele origin: germline.

Genetic Services Laboratory, University of Chicago
Classification: Benign. Last evaluated: 2017-03-03. Review status: criteria provided, single submitter. Criteria: ACMG Guidelines, 2015. Collection method: clinical testing. Allele origin: germline. Affected: no.

Ambry Genetics
Classification: Benign for Inborn genetic diseases. Last evaluated: 2016-05-05. Review status: criteria provided, single submitter. Criteria: Ambry Variant Classification Scheme 2023. Collection method: clinical testing. Allele origin: germline.

GeneDx
Classification: Benign. Last evaluated: 2015-03-03. Review status: criteria provided, single submitter. Criteria: GeneDx Variant Classification Process June 2021. Collection method: clinical testing. Allele origin: germline. Affected: yes.

Natera, Inc.
Classification: Likely benign for Creatine deficiency syndrome 1. Last evaluated: 2019-12-20. Review status: no assertion criteria provided. Collection method: clinical testing. Allele origin: germline. Not counted in ClinVar's aggregate classification.

PreventionGenetics, part of Exact Sciences
Classification: Benign for SLC6A8-related condition. Last evaluated: 2019-05-15. Review status: no assertion criteria provided. Collection method: clinical testing. Allele origin: germline. Not counted in ClinVar's aggregate classification.
Comment: This variant is classified as benign based on ACMG/AMP sequence variant interpretation guidelines (Richards et al. 2015 PMID: 25741868, with internal and published modifications).

Clinical Genetics DNA and cytogenetics Diagnostics Lab, Erasmus MC, Erasmus Medical Center
Classification: Likely benign. Review status: no assertion criteria provided. Collection method: clinical testing. Allele origin: germline. Affected: yes. Study: VKGL Data-share Consensus. Not counted in ClinVar's aggregate classification.

Dr. Peter K. Rogan Lab, Western University
No classification provided (evidence only). Condition: Clear cell carcinoma of kidney. Review status: no classification provided. Collection method: in vitro. Allele origin: not applicable. Functional consequence: retained intron. Not counted in ClinVar's aggregate classification.

Dr. Peter K. Rogan Lab, Western University
No classification provided (evidence only). Condition: Clear cell carcinoma of kidney. Review status: no classification provided. Collection method: in vitro. Allele origin: not applicable. Functional consequence: retained intron. Not counted in ClinVar's aggregate classification.

Dr. Peter K. Rogan Lab, Western University
No classification provided (evidence only). Condition: Clear cell carcinoma of kidney. Review status: no classification provided. Collection method: in vitro. Allele origin: not applicable. Functional consequence: retained intron. Not counted in ClinVar's aggregate classification.

Dr. Peter K. Rogan Lab, Western University
No classification provided (evidence only). Condition: Familial cancer of breast. Review status: no classification provided. Collection method: in vitro. Allele origin: not applicable. Functional consequence: retained intron. Not counted in ClinVar's aggregate classification.

Dr. Peter K. Rogan Lab, Western University
No classification provided (evidence only). Condition: Uterine corpus endometrial carcinoma. Review status: no classification provided. Collection method: in vitro. Allele origin: not applicable. Functional consequence: retained intron. Not counted in ClinVar's aggregate classification.

Dr. Peter K. Rogan Lab, Western University
No classification provided (evidence only). Condition: Cervical cancer. Review status: no classification provided. Collection method: in vitro. Allele origin: not applicable. Functional consequence: retained intron. Not counted in ClinVar's aggregate classification.

Dr. Peter K. Rogan Lab, Western University
No classification provided (evidence only). Condition: Cervical cancer. Review status: no classification provided. Collection method: in vitro. Allele origin: not applicable. Functional consequence: retained intron. Not counted in ClinVar's aggregate classification.

Dr. Peter K. Rogan Lab, Western University
No classification provided (evidence only). Condition: Sarcoma. Review status: no classification provided. Collection method: in vitro. Allele origin: not applicable. Functional consequence: retained intron. Not counted in ClinVar's aggregate classification.

Dr. Peter K. Rogan Lab, Western University
No classification provided (evidence only). Condition: Ovarian serous cystadenocarcinoma. Review status: no classification provided. Collection method: in vitro. Allele origin: not applicable. Functional consequence: retained intron. Not counted in ClinVar's aggregate classification.

Dr. Peter K. Rogan Lab, Western University
No classification provided (evidence only). Condition: Ovarian serous cystadenocarcinoma. Review status: no classification provided. Collection method: in vitro. Allele origin: not applicable. Functional consequence: retained intron. Not counted in ClinVar's aggregate classification.

Dr. Peter K. Rogan Lab, Western University
No classification provided (evidence only). Condition: Ovarian cancer. Review status: no classification provided. Collection method: in vitro. Allele origin: not applicable. Functional consequence: retained intron. Not counted in ClinVar's aggregate classification.

Genome Diagnostics Laboratory, University Medical Center Utrecht
Classification: Benign. Review status: no assertion criteria provided. Collection method: clinical testing. Allele origin: germline. Affected: yes. Study: VKGL Data-share Consensus. Not counted in ClinVar's aggregate classification.

Literature cited by the submitters: PubMed 15154114 (cited by Athena Diagnostics).

NM_005629.4(SLC6A8):c.1768-3C>T

Gene: SLC6A8 (solute carrier family 6 member 8; plus strand). Cytogenetic location: Xq28.
Variant type: single nucleotide variant.
Coding change: c.1768-3C>T on transcript NM_005629.4 (MANE Select); 3 bases into the intron before coding-DNA position 1768, C replaced by T.
Molecular consequence: intron variant.
Genome position (GRCh38, 1-based): chrX:153,695,071, C>T. VCF-style: chrX-153695071-C-T. GRCh37 (hg19) VCF-style: chrX-152960526-C-T.
Other names: p.?; c.1738-3C>T (NM_001142805.2); c.1423-3C>T (NM_001142806.1).
Identifiers: ClinVar variation 212213 (VCV000212213.68), dbSNP rs150207268, ClinGen allele CA208645.